The following is an entry in ClinVar:

NM_020433.5(JPH2):c.1202C>T (p.Ala401Val)

Gene: JPH2 (junctophilin 2; minus strand). Cytogenetic location: 20q13.12.
Variant type: single nucleotide variant.
Coding change: c.1202C>T on transcript NM_020433.5 (MANE Select); coding-DNA position 1202, C replaced by T.
Protein change: p.Ala401Val; replaces alanine 401 with valine.
Molecular consequence: missense variant.
Genome position (GRCh38, 1-based): chr20:44,118,591, G>A on the plus strand (C>T on the coding strand, the complement: JPH2 is on the minus strand). VCF-style: chr20-44118591-G-A. GRCh37 (hg19) VCF-style: chr20-42747231-G-A.
Other names: c.1202C>T (NM_020433.4); short protein forms A401V.
Identifiers: ClinVar variation 1468569 (VCV001468569.10), dbSNP rs774001072, ClinGen allele CA9868701.

ClinVar aggregate classification (germline): Uncertain significance. Review status: criteria provided, multiple submitters, no conflicts (2 of 4 stars). 3 submissions from 3 submitters: Uncertain significance (3). Last evaluated 2026-03-27.

Conditions:
Cardiovascular phenotype. Identifiers: MedGen CN230736.
Hypertrophic cardiomyopathy. Also called: HYPERTROPHIC MYOCARDIOPATHY. Identifiers: Orphanet 217569, MedGen C0007194, MeSH D002312, MONDO:0005045, HP:0001639.

Allele frequency attached by ClinVar (database versions not stated): TOPMed 0.00003; ExAC 0.00004; gnomAD 0.00003 and 0.00004; gnomAD exomes 0.00002.
gnomAD v4.1: 39 of 1,611,764 alleles (0.0024%); highest among the groups gnomAD compares: East Asian, 0.036%; no homozygotes.

Submissions (3):

Molecular Diagnostic Laboratory for Inherited Cardiovascular Disease, Montreal Heart Institute
Classification: Uncertain significance for Cardiovascular phenotype. Last evaluated: 2026-03-27. Review status: criteria provided, single submitter. Criteria: ACMG Guidelines, 2015. Collection method: clinical testing. Allele origin: germline. Affected: yes.
Comment: PM2

Ambry Genetics
Classification: Uncertain significance for Cardiovascular phenotype. Last evaluated: 2025-12-11. Review status: criteria provided, single submitter. Criteria: Ambry Variant Classification Scheme 2023. Collection method: clinical testing. Allele origin: germline.
Comment: The p.A401V variant (also known as c.1202C>T), located in coding exon 3 of the JPH2 gene, results from a C to T substitution at nucleotide position 1202. The alanine at codon 401 is replaced by valine, an amino acid with similar properties. This amino acid position is conserved. In addition, the in silico prediction for this alteration is inconclusive. Since supporting evidence is limited at this time, the clinical significance of this alteration remains unclear.

Labcorp Genetics (formerly Invitae), Labcorp
Classification: Uncertain significance for Hypertrophic cardiomyopathy. Last evaluated: 2025-04-22. Review status: criteria provided, single submitter. Criteria: Invitae Variant Classification Sherloc (09022015). Collection method: clinical testing. Allele origin: germline.
Comment: This sequence change replaces alanine, which is neutral and non-polar, with valine, which is neutral and non-polar, at codon 401 of the JPH2 protein (p.Ala401Val). This variant is present in population databases (rs774001072, gnomAD 0.01%). This variant has not been reported in the literature in individuals affected with JPH2-related conditions. ClinVar contains an entry for this variant (Variation ID: 1468569). An algorithm developed to predict the effect of missense changes on protein structure and function (PolyPhen-2) suggests that this variant is likely to be tolerated. In summary, the available evidence is currently insufficient to determine the role of this variant in disease. Therefore, it has been classified as a Variant of Uncertain Significance.